The following is an entry in ClinVar:

NM_001374828.1(ARID1B):c.2078del (p.Leu693fs)

Gene: ARID1B (AT-rich interaction domain 1B; plus strand). Cytogenetic location: 6q25.3.
Variant type: Deletion.
Coding change: c.2078del on transcript NM_001374828.1 (MANE Select); coding-DNA position 2078, one base deleted (T; older notation c.2078delT).
Protein change: p.Leu693fs; shifts the reading frame from leucine 693.
Molecular consequence: frameshift variant.
Genome position (GRCh38, 1-based): chr6:156,901,467, T deleted. VCF-style (leftmost placement, unchanged base first): chr6-156901466-CT-C. GRCh37 (hg19) VCF-style: chr6-157222600-CT-C.
Other names: c.2117del, p.Leu706fs (NM_001371656.1, NM_001374820.1); c.2078del, p.Leu693fs (NM_017519.3); short protein forms L693fs, L706fs.
Identifiers: ClinVar variation 1206419 (VCV001206419.3), dbSNP rs2128210949, ClinGen allele CA2499218152.
Genomic context (GRCh38, chr6:156,901,466, plus strand): 5'-AGTGGTTACTGCCAGCAGGGCCAACAGCCATATTACAGCCAGCAGCCGCAGCCCCCGCAC[CT>C]CCCACCCCAGGCGCAGTATCTGCCGTCCCAGTCCCAGCAGAGGTACCAGCCGCAGCAGGT-3'

ClinVar aggregate classification (germline): Likely pathogenic (1 of 4 stars; one submission).

Conditions:
Coffin-Siris syndrome 1 (CSS1). Also called: Mental retardation, autosomal dominant 12; ARID1B-Related Coffin-Siris Syndrome. Identifiers: Orphanet 1465, MedGen C3281201, MONDO:0007617, OMIM 135900. Disease mechanism: gain of function.

Submission:

Institute of Human Genetics, University of Goettingen
Classification: Likely pathogenic for Coffin-Siris syndrome 1. Last evaluated: 2021-08-20. Review status: criteria provided, single submitter. Criteria: ACMG Guidelines, 2015. Collection method: clinical testing. Allele origin: unknown. Inheritance: Sporadic. Affected: yes. Observed: 1 variant allele, 1 heterozygote.
Comment: The variant c.2117del (p.(Leu706Profs*45)) in exon 4 of the ARID1B-gene is not found in the gnomAD database, it creates a frame shift starting at codon Leu706. The new reading frame ends in a STOP codon at position 45. Frameshift variants leading to a loss of function of ARID1B protein are a known mechanism of disease. ACMG criteria used for classification: PVS1, PM2.